The following is an entry in ClinVar:

NM_025114.4(CEP290):c.7341_7344dup (p.Ser2449fs)

Genes: CEP290 (centrosomal protein 290; minus strand), RLIG1 (RNA 5'-phosphate and 3'-OH ligase 1; plus strand). Cytogenetic location: 12q21.32.
Variant type: Duplication.
Coding change: c.7341_7344dup on transcript NM_025114.4 (MANE Select); coding-DNA positions 7341 to 7344, 4 bases duplicated (ACTT; older notation c.7341_7344dupACTT).
Protein change: p.Ser2449fs; shifts the reading frame from serine 2449.
Molecular consequence: frameshift variant. On other transcripts: 3 prime UTR variant (1).
Genome position (GRCh38, 1-based): chr12:88,049,280-88,049,283, AAGT duplicated on the plus strand (ACTT on the coding strand, the reverse complement: CEP290 is on the minus strand). VCF-style (leftmost placement, unchanged base first): chr12-88049279-A-AAAGT. GRCh37 (hg19) VCF-style: chr12-88443056-A-AAAGT.
Other names: c.7341_7344dupACTT (NM_025114.4); c.7341_7344dup (NM_025114.3); c.*858_*861dup (NM_001009894.3); short protein forms S2449fs.
Identifiers: ClinVar variation 830333 (VCV000830333.14), dbSNP rs778907433, ClinGen allele CA6711283.

ClinVar aggregate classification (germline): Pathogenic/Likely pathogenic. Review status: criteria provided, multiple submitters, no conflicts (2 of 4 stars). 5 submissions from 4 submitters: Pathogenic (3); Likely pathogenic (2). Last evaluated 2025-12-06.

Conditions:
Rod-cone dystrophy. Identifiers: MedGen C4551714, HP:0000510.
Meckel-Gruber syndrome. Also called: DYSENCEPHALIA SPLANCHNOCYSTICA; GRUBER SYNDROME; Dysencephalia splachnocystica. Identifiers: Orphanet 564, MedGen C0265215, MONDO:0018921.
Nephronophthisis. Also called: Juvenile Nephronophthisis. Identifiers: Orphanet 655, MedGen C0687120, MONDO:0019005, HP:0000090.
Joubert syndrome. Also called: JOUBERT-BOLTSHAUSER SYNDROME; Familial aplasia of the vermis. Identifiers: Orphanet 475, MedGen C5979921, MONDO:0018772.
Leber congenital amaurosis (LCA). Also called: Leber's amaurosis. Identifiers: Orphanet 65, MedGen C0339527, MeSH D057130, MONDO:0018998.
Leber congenital amaurosis 10 (LCA10). Identifiers: Orphanet 65, MedGen C1857821, MONDO:0012723, OMIM 611755.
CEP290-related ciliopathy. Also called: CEP290 ciliopathy. Identifiers: MedGen CN305601, MONDO:0100451.

Allele frequency attached by ClinVar (database versions not stated): gnomAD exomes below 0.00001 and 0.00001; ExAC 0.00001.

Submissions (5):

Natera, Inc.
Classification: Pathogenic for Leber congenital amaurosis. Last evaluated: 2025-12-06. Review status: criteria provided, single submitter. Criteria: Natera Variant Classification Schema (03/2026). Collection method: clinical testing. Allele origin: germline.
Comment: The c.7341_7344dupACTT variant in CEP290 is a frameshift variant predicted to shift the reading frame beginning at codon 2449 and leads to a stop codon 8 codons downstream. This variant is expected to result in nonsense mediated decay, truncation, or a dysfunctional protein product. This variant is rare in the general population with a frequency below the threshold expected for the associated phenotype(s). This variant has been observed in one or more individuals affected with the associated recessive disease, as either homozygous or compound heterozygous with a second variant (PMID: 32483926, 36469661, 34196201, 34196655). Given the available evidence, this variant is classified as Pathogenic.

Myriad Genetics, Inc.
Classification: Pathogenic for CEP290-related ciliopathy. Last evaluated: 2025-03-17. Review status: criteria provided, single submitter. Criteria: Myriad Autosomal Dominant, Autosomal Recessive and X-Linked Classification Criteria (2023). Collection method: clinical testing. Allele origin: unknown.
Comment: NM_025114.3(CEP290):c.7341_7344dupACTT(S2449Tfs*8) is a frameshift variant classified as pathogenic in the context of CEP290-related disorders. S2449Tfs*8 has been observed in cases with relevant disease (PMID: 34196201, 32483926, 34196655). Relevant functional assessments of this variant are not available in the literature. S2449Tfs*8 has been observed in referenced population frequency databases. In summary, NM_025114.3(CEP290):c.7341_7344dupACTT(S2449Tfs*8) is a frameshift variant that has been observed more frequently in cases with the relevant disease than in healthy populations. Please note: this variant was assessed in the context of healthy population screening.

Labcorp Genetics (formerly Invitae), Labcorp
Classification: Pathogenic for Joubert syndrome; Meckel-Gruber syndrome; Nephronophthisis. Last evaluated: 2024-03-14. Review status: criteria provided, single submitter. Criteria: Invitae Variant Classification Sherloc (09022015). Collection method: clinical testing. Allele origin: germline.
Comment: This sequence change creates a premature translational stop signal (p.Ser2449Thrfs*8) in the CEP290 gene. While this is not anticipated to result in nonsense mediated decay, it is expected to disrupt the last 31 amino acid(s) of the CEP290 protein. This variant is present in population databases (rs778907433, gnomAD 0.002%). This variant has not been reported in the literature in individuals affected with CEP290-related conditions. ClinVar contains an entry for this variant (Variation ID: 830333). This variant disrupts a region of the CEP290 protein in which other variant(s) (p.Thr2457Alafs*27) have been determined to be pathogenic (PMID: 30193310). This suggests that this is a clinically significant region of the protein, and that variants that disrupt it are likely to be disease-causing. For these reasons, this variant has been classified as Pathogenic.

Kariminejad - Najmabadi Pathology & Genetics Center
Classification: Likely pathogenic for Rod-cone dystrophy. Last evaluated: 2017-09-03. Review status: criteria provided, single submitter. Criteria: ACMG Guidelines, 2015. Collection method: clinical testing. Allele origin: germline. Affected: yes.

Kariminejad - Najmabadi Pathology & Genetics Center
Classification: Likely pathogenic for Leber congenital amaurosis 10. Review status: criteria provided, single submitter. Criteria: ACMG Guidelines, 2015. Collection method: clinical testing. Allele origin: germline. Affected: no.

Literature cited by the submitters: PubMed 32483926 (cited by Natera, Inc. and Myriad Genetics, Inc.); PubMed 36469661 (cited by Natera, Inc.); PubMed 34196201 (cited by Natera, Inc. and Myriad Genetics, Inc.); PubMed 34196655 (cited by Natera, Inc. and Myriad Genetics, Inc.); PubMed 30193310 (cited by Labcorp Genetics (formerly Invitae), Labcorp).